The following is an entry in ClinVar:

ClinVar aggregate classification (germline): Pathogenic. Review status: reviewed by expert panel (3 of 4 stars). 2 submissions from 2 submitters: Pathogenic (1). 1 of the submissions does not count toward it. Last evaluated 2017-12-15.

Conditions:
Hereditary cancer-predisposing syndrome. Also called: Hereditary Cancer Syndrome; Neoplastic Syndromes, Hereditary; Tumor predisposition; Hereditary neoplastic syndrome. Identifiers: Orphanet 140162, MedGen C0027672, MeSH D009386, MONDO:0015356.
Breast-ovarian cancer, familial, susceptibility to, 2 (BROVCA2). Also called: BRCA2 Hereditary Breast and Ovarian Cancer. Identifiers: Orphanet 145, MedGen C2675520, MONDO:0012933, OMIM 612555. Disease mechanism: loss of function.

Submissions (2):

Evidence-based Network for the Interpretation of Germline Mutant Alleles (ENIGMA)
Classification: Pathogenic for Breast-ovarian cancer, familial, susceptibility to, 2. Last evaluated: 2017-12-15. Review status: reviewed by expert panel. Criteria: ENIGMA BRCA1/2 Classification Criteria (2017-06-29). Collection method: curation. Allele origin: germline. Study: ENIGMA.
Comment: Variant allele predicted to encode a truncated non-functional protein.

Ambry Genetics
Classification: Pathogenic for Hereditary cancer-predisposing syndrome. Last evaluated: 2015-03-16. Review status: criteria provided, single submitter. Criteria: Ambry Variant Classification Scheme 2023. Collection method: clinical testing. Allele origin: germline. Not counted in ClinVar's aggregate classification.
Comment: The c.733delA pathogenic mutation (also known as 961delA), located in coding exon 8 of the BRCA2 gene, results from a deletion of one nucleotide at position 733, causing a translational frameshift with a predicted alternate stop codon. Since frameshifts are typically deleterious in nature, this alteration is interpreted as a disease-causing mutation (ACMG Recommendations for Standards for Interpretation and Reporting of Sequence Variations. Revision 2007. Genet Med. 2008;10:294).

NM_000059.4(BRCA2):c.733del (p.Arg245fs)

Gene: BRCA2 (BRCA2 DNA repair associated; plus strand). Cytogenetic location: 13q13.1.
Variant type: Deletion.
Coding change: c.733del on transcript NM_000059.4 (MANE Select); coding-DNA position 733, one base deleted (A; older notation c.733delA).
Protein change: p.Arg245fs; shifts the reading frame from arginine 245.
Molecular consequence: frameshift variant.
Genome position (GRCh38, 1-based): chr13:32,330,970, A deleted. VCF-style (leftmost placement, unchanged base first): chr13-32330969-TA-T. GRCh37 (hg19) VCF-style: chr13-32905106-TA-T.
Other names: c.733delA (NM_000059.3); short protein forms R245fs.
Identifiers: ClinVar variation 231052 (VCV000231052.5), dbSNP rs876658927, ClinGen allele CA10579471.